The following is an entry in ClinVar:

NM_000553.6(WRN):c.527G>T (p.Ser176Ile)

Gene: WRN (WRN RecQ like helicase; plus strand). Cytogenetic location: 8p12.
Variant type: single nucleotide variant.
Coding change: c.527G>T on transcript NM_000553.6 (MANE Select); coding-DNA position 527, G replaced by T.
Protein change: p.Ser176Ile; replaces serine 176 with isoleucine.
Molecular consequence: missense variant.
Genome position (GRCh38, 1-based): chr8:31,067,055, G>T. VCF-style: chr8-31067055-G-T. GRCh37 (hg19) VCF-style: chr8-30924571-G-T.
Other names: short protein forms S176I.
Identifiers: ClinVar variation 404012 (VCV000404012.7), dbSNP rs748976035, ClinGen allele CA4704098.

ClinVar aggregate classification (germline): Uncertain significance. Review status: criteria provided, multiple submitters, no conflicts (2 of 4 stars). 2 submissions from 2 submitters: Uncertain significance (2). Last evaluated 2024-06-19.

Conditions:
Werner syndrome (WRN). Identifiers: Orphanet 902, MedGen C0043119, MONDO:0010196, OMIM 277700.

Allele frequency attached by ClinVar (database versions not stated): TOPMed below 0.00001; gnomAD 0.00001; ExAC 0.00002.
gnomAD v4.1: 14 of 1,613,674 alleles (0.00087%); highest among the groups gnomAD compares: Admixed American, 0.022%; no homozygotes.

Submissions (2):

Fulgent Genetics
Classification: Uncertain significance for Werner syndrome. Last evaluated: 2024-06-19. Review status: criteria provided, single submitter. Criteria: ACMG Guidelines, 2015. Collection method: clinical testing. Allele origin: germline.

Labcorp Genetics (formerly Invitae), Labcorp
Classification: Uncertain significance for Werner syndrome. Last evaluated: 2024-05-22. Review status: criteria provided, single submitter. Criteria: Invitae Variant Classification Sherloc (09022015). Collection method: clinical testing. Allele origin: germline.
Comment: This sequence change replaces serine, which is neutral and polar, with isoleucine, which is neutral and non-polar, at codon 176 of the WRN protein (p.Ser176Ile). This variant is present in population databases (rs748976035, gnomAD 0.03%). This variant has not been reported in the literature in individuals affected with WRN-related conditions. ClinVar contains an entry for this variant (Variation ID: 404012). An algorithm developed to predict the effect of missense changes on protein structure and function (PolyPhen-2) suggests that this variant is likely to be disruptive. In summary, the available evidence is currently insufficient to determine the role of this variant in disease. Therefore, it has been classified as a Variant of Uncertain Significance.